The following is an entry in ClinVar:

NM_001330260.2(SCN8A):c.3741G>A (p.Met1247Ile)

Gene: SCN8A (sodium voltage-gated channel alpha subunit 8; plus strand). Cytogenetic location: 12q13.13.
Variant type: single nucleotide variant.
Coding change: c.3741G>A on transcript NM_001330260.2 (MANE Select); coding-DNA position 3741, G replaced by A.
Protein change: p.Met1247Ile; replaces methionine 1247 with isoleucine.
Molecular consequence: missense variant.
Genome position (GRCh38, 1-based): chr12:51,774,284, G>A. VCF-style: chr12-51774284-G-A. GRCh37 (hg19) VCF-style: chr12-52168068-G-A.
Other names: c.3741G>A, p.Met1247Ile (NM_001177984.3, NM_001369788.1, NM_014191.4); short protein forms M1247I.
Identifiers: ClinVar variation 4687477 (VCV004687477.1).
Genomic context (GRCh38, chr12:51,774,284, plus strand): 5'-CATCCGCACCATCCTGGAATATGCTGACAAAGTCTTCACCTATATCTTCATCCTGGAGAT[G>A]TTGCTCAAGTGGACAGCCTATGGCTTCGTCAAGTTCTTCACCAATGCCTGGTGTTGGCTG-3'
Protein context (NP_001317189.1, residues 1237-1257): KVFTYIFILE[Met1247Ile]LLKWTAYGFV

ClinVar aggregate classification (germline): Uncertain significance (1 of 4 stars; one submission).

Submission:

Women's Health and Genetics/Laboratory Corporation of America, LabCorp
Classification: Uncertain significance. Last evaluated: 2025-10-07. Review status: criteria provided, single submitter. Criteria: LabCorp Variant Classification Summary - May 2015. Collection method: clinical testing. Allele origin: germline.
Comment: Variant summary: SCN8A c.3741G>A (p.Met1247Ile) results in a conservative amino acid change in the encoded protein sequence. Algorithms developed to predict the effect of missense changes on protein structure and function are either unavailable or do not agree on the potential impact of this missense change. The variant was absent in 250808 control chromosomes. The available data on variant occurrences in the general population are insufficient to allow any conclusion about variant significance. To our knowledge, no occurrence of c.3741G>A in individuals affected with SCN8A-related conditions and no experimental evidence demonstrating its impact on protein function have been reported. No submitters have cited clinical-significance assessments for this variant to ClinVar. Based on the evidence outlined above, the variant was classified as uncertain significance.